The following is an entry in ClinVar:

NM_005333.5(HCCS):c.573G>T (p.Glu191Asp)

Gene: HCCS (holocytochrome c synthase; plus strand). Cytogenetic location: Xp22.2.
Variant type: single nucleotide variant.
Coding change: c.573G>T on transcript NM_005333.5 (MANE Select); coding-DNA position 573, G replaced by T.
Protein change: p.Glu191Asp; replaces glutamic acid 191 with aspartic acid.
Molecular consequence: missense variant.
Genome position (GRCh38, 1-based): chrX:11,120,958, G>T. VCF-style: chrX-11120958-G-T. GRCh37 (hg19) VCF-style: chrX-11139078-G-T.
Other names: c.573G>T, p.Glu191Asp (NM_001122608.3, NM_001171991.3); short protein forms E191D.
Identifiers: ClinVar variation 3902420 (VCV003902420.1).
Genomic context (GRCh38, chrX:11,120,958, plus strand): 5'-GAATTCTAGAGAGTGTCCTTGTGGTCCATCATTGATCCGGTTTGGAGGGAAAGCAAAAGA[G>T]TATTCACCAAGGGCACGAATTCGTTCCTGGATGGGGTGAGTGTCAGCGCAGAAGTGTTGT-3'
Protein context (NP_005324.3, residues 181-201): SLIRFGGKAK[Glu191Asp]YSPRARIRSW

ClinVar aggregate classification (germline): Uncertain significance (1 of 4 stars; one submission).

Submission:

Women's Health and Genetics/Laboratory Corporation of America, LabCorp
Classification: Uncertain significance. Last evaluated: 2025-05-08. Review status: criteria provided, single submitter. Criteria: LabCorp Variant Classification Summary - May 2015. Collection method: clinical testing. Allele origin: germline.
Comment: Variant summary: HCCS c.573G>T (p.Glu191Asp) results in a conservative amino acid change in the encoded protein sequence. Algorithms developed to predict the effect of missense changes on protein structure and function are either unavailable or do not agree on the potential impact of this missense change. The variant was absent in 183526 control chromosomes. The available data on variant occurrences in the general population are insufficient to allow any conclusion about variant significance. To our knowledge, no occurrence of c.573G>T in individuals affected with Linear Skin Defects With Multiple Congenital Anomalies 1 and no experimental evidence demonstrating its impact on protein function have been reported. No submitters have cited clinical-significance assessments for this variant to ClinVar. Based on the evidence outlined above, the variant was classified as uncertain significance.